The following is an entry in ClinVar:

NM_001793.6(CDH3):c.1810T>G (p.Leu604Val)

Gene: CDH3 (cadherin 3; plus strand). Cytogenetic location: 16q22.1.
Variant type: single nucleotide variant.
Coding change: c.1810T>G on transcript NM_001793.6 (MANE Select); coding-DNA position 1810, T replaced by G.
Protein change: p.Leu604Val; replaces leucine 604 with valine.
Molecular consequence: missense variant.
Genome position (GRCh38, 1-based): chr16:68,691,734, T>G. VCF-style: chr16-68691734-T-G. GRCh37 (hg19) VCF-style: chr16-68725637-T-G.
Other names: c.1810T>G, p.Leu604Val (NM_001317195.3); c.1645T>G, p.Leu549Val (NM_001317196.2); short protein forms L549V, L604V.
Identifiers: ClinVar variation 1515611 (VCV001515611.8), dbSNP rs1181355756, ClinGen allele CA396455442.

ClinVar aggregate classification (germline): Uncertain significance (1 of 4 stars; one submission).

Allele frequency attached by ClinVar (database versions not stated): TOPMed below 0.00001; gnomAD 0.00001; gnomAD exomes 0.00001 and 0.00002.
gnomAD v4.1: 23 of 1,613,928 alleles (0.0014%); highest among the groups gnomAD compares: Non-Finnish European, 0.0019%; no homozygotes.

Submission:

Labcorp Genetics (formerly Invitae), Labcorp
Classification: Uncertain significance. Last evaluated: 2022-06-20. Review status: criteria provided, single submitter. Criteria: Invitae Variant Classification Sherloc (09022015). Collection method: clinical testing. Allele origin: germline.
Comment: In summary, the available evidence is currently insufficient to determine the role of this variant in disease. Therefore, it has been classified as a Variant of Uncertain Significance. Algorithms developed to predict the effect of missense changes on protein structure and function are either unavailable or do not agree on the potential impact of this missense change (SIFT: "Not Available"; PolyPhen-2: "Benign"; Align-GVGD: "Not Available"). This variant has not been reported in the literature in individuals affected with CDH3-related conditions. This variant is present in population databases (no rsID available, gnomAD 0.002%). This sequence change replaces leucine, which is neutral and non-polar, with valine, which is neutral and non-polar, at codon 604 of the CDH3 protein (p.Leu604Val).